The following is an entry in ClinVar:

NM_001357.5(DHX9):c.747A>G (p.Gln249=)

Gene: DHX9 (DExH-box helicase 9; plus strand). Cytogenetic location: 1q25.3.
Variant type: single nucleotide variant.
Coding change: c.747A>G on transcript NM_001357.5 (MANE Select); coding-DNA position 747, A replaced by G.
Protein change: p.Gln249=; no amino-acid change (glutamine 249 retained).
Molecular consequence: synonymous variant. On other transcripts: non-coding transcript variant (1).
Genome position (GRCh38, 1-based): chr1:182,858,177, A>G. VCF-style: chr1-182858177-A-G. GRCh37 (hg19) VCF-style: chr1-182827312-A-G.
Identifiers: ClinVar variation 4281355 (VCV004281355.7).
Genomic context (GRCh38, chr1:182,858,177, plus strand): 5'-AGAACATGGATCAAATAAGAAATTGGCAGCACAGTCCTGTGCCCTGTCACTTGTCAGACA[A>G]CTGTACCATCTTGGAGTGGTTGAAGCTTACTCCGGACTTACAAAGAAGAAGGAAGGAGAG-3'
Protein context (NP_001348.2, residues 239-259): AQSCALSLVR[Gln249=]LYHLGVVEAY

ClinVar aggregate classification (germline): Likely benign (1 of 4 stars; one submission).

gnomAD v4.1: 4 of 1,614,194 alleles (0.00025%); highest among the groups gnomAD compares: South Asian, 0.0011%; no homozygotes.

Submission:

CeGaT Center for Human Genetics Tuebingen
Classification: Likely benign. Last evaluated: 2025-09-01. Review status: criteria provided, single submitter. Criteria: CeGaT Center For Human Genetics Tuebingen Variant Classification Criteria Version 2. Collection method: clinical testing. Allele origin: germline. Affected: yes. Observed: 1 variant allele.
Comment: DHX9: BP4, BP7